The following is an entry in ClinVar:

ClinVar aggregate classification (germline): Uncertain significance (1 of 4 stars; one submission).

Submission:

Labcorp Genetics (formerly Invitae), Labcorp
Classification: Uncertain significance. Last evaluated: 2022-08-09. Review status: criteria provided, single submitter. Criteria: Invitae Variant Classification Sherloc (09022015). Collection method: clinical testing. Allele origin: germline.
Comment: This sequence change replaces proline, which is neutral and non-polar, with arginine, which is basic and polar, at codon 177 of the SNRPB protein (p.Pro177Arg). This variant is present in population databases (no rsID available, gnomAD 0.003%). This variant has not been reported in the literature in individuals affected with SNRPB-related conditions. Algorithms developed to predict the effect of missense changes on protein structure and function are either unavailable or do not agree on the potential impact of this missense change (SIFT: "Tolerated"; PolyPhen-2: "Not Available"; Align-GVGD: "Class C0"). In summary, the available evidence is currently insufficient to determine the role of this variant in disease. Therefore, it has been classified as a Variant of Uncertain Significance.

NM_003091.4(SNRPB):c.530C>G (p.Pro177Arg)

Gene: SNRPB (small nuclear ribonucleoprotein polypeptides B and B1; minus strand). Cytogenetic location: 20p13.
Variant type: single nucleotide variant.
Coding change: c.530C>G on transcript NM_003091.4 (MANE Select); coding-DNA position 530, C replaced by G.
Protein change: p.Pro177Arg; replaces proline 177 with arginine.
Molecular consequence: missense variant.
Genome position (GRCh38, 1-based): chr20:2,463,118, G>C on the plus strand (C>G on the coding strand, the complement: SNRPB is on the minus strand). VCF-style: chr20-2463118-G-C. GRCh37 (hg19) VCF-style: chr20-2443764-G-C.
Other names: c.530C>G, p.Pro177Arg (NM_198216.2); short protein forms P177R.
Identifiers: ClinVar variation 1909313 (VCV001909313.5), dbSNP rs759220904, ClinGen allele CA408013917.